The following is an entry in ClinVar:

ClinVar aggregate classification (germline): Likely pathogenic (1 of 4 stars; one submission).

Allele frequency attached by ClinVar (database versions not stated): gnomAD exomes below 0.00001.

Submission:

GeneDx
Classification: Likely pathogenic. Last evaluated: 2019-02-04. Review status: criteria provided, single submitter. Criteria: GeneDx Variant Classification (06012015). Collection method: clinical testing. Allele origin: germline. Affected: yes.
Comment: The c.325dupG variant has not been published as a pathogenic variant, nor has it been reported as a benign variant to our knowledge. The c.325dupG variant is not observed at a significant frequency in large population cohorts (Lek et al., 2016). The c.325dupG variant causes a frameshift starting with codon Glutamic Acid 109, changes this amino acid to a Glycine residue and creates a premature Stop codon at position 21 of the new reading frame, denoted p.Glu109GlyfsX21 (E109GfsX21). This variant is predicted to cause loss of normal protein function either through protein truncation or nonsense-mediated mRNA decay. In summary, we interpret c.325dupG as a likely pathogenic variant.

NM_002936.6(RNASEH1):c.325dup (p.Glu109fs)

Gene: RNASEH1 (ribonuclease H1; minus strand). Cytogenetic location: 2p25.3.
Variant type: Duplication.
Coding change: c.325dup on transcript NM_002936.6 (MANE Select); coding-DNA position 325, one base duplicated (G; older notation c.325dupG).
Protein change: p.Glu109fs; shifts the reading frame from glutamic acid 109.
Molecular consequence: frameshift variant. On other transcripts: 5 prime UTR variant (1), non-coding transcript variant (7).
Genome position (GRCh38, 1-based): chr2:3,552,228, C duplicated on the plus strand (G on the coding strand, the reverse complement: RNASEH1 is on the minus strand). VCF-style (leftmost placement, unchanged base first): chr2-3552227-T-TC. GRCh37 (hg19) VCF-style: chr2-3599817-T-TC.
Other names: c.247dup, p.Glu83fs (NM_001286834.3); c.-27dup (NM_001286837.3); c.325dup, p.Glu109fs (NM_001378271.1, NM_001378272.1, NM_001378273.1); short protein forms E109fs, E83fs.
Identifiers: ClinVar variation 818008 (VCV000818008.1), dbSNP rs1229409884, ClinGen allele CA530847557.
Genomic context (GRCh38, chr2:3,552,227, plus strand): 5'-CTAACTGGAGGCGCCGGCTCCACGCTCGGCTTCATGTGCTTTGCATACGGCTCTGCGCTT[T>TC]CATGTCCATCTCCATCCAGTGGCTCACGGAGTCGCTTGCTGGCTTTCGCCTCCGATTCTT-3'